The following is an entry in ClinVar:

ClinVar aggregate classification (germline): Uncertain significance (1 of 4 stars; one submission).

Conditions:
Cardiovascular phenotype. Identifiers: MedGen CN230736.

Allele frequency attached by ClinVar (database versions not stated): TOPMed below 0.00001; gnomAD 0.00001.
gnomAD v4.1: 1 of 1,614,114 alleles (0.000062%); highest among the groups gnomAD compares: African/African-American, 0.0013%; no homozygotes.

Submission:

Ambry Genetics
Classification: Uncertain significance for Cardiovascular phenotype. Last evaluated: 2022-03-04. Review status: criteria provided, single submitter. Criteria: Ambry Variant Classification Scheme 2023. Collection method: clinical testing. Allele origin: germline.
Comment: The p.P1073T variant (also known as c.3217C>A), located in coding exon 21 of the TRPM4 gene, results from a C to A substitution at nucleotide position 3217. The proline at codon 1073 is replaced by threonine, an amino acid with highly similar properties. This amino acid position is conserved. In addition, the in silico prediction for this alteration is inconclusive. Since supporting evidence is limited at this time, the clinical significance of this alteration remains unclear.

NM_017636.4(TRPM4):c.3217C>A (p.Pro1073Thr)

Gene: TRPM4 (transient receptor potential cation channel subfamily M member 4; plus strand). Cytogenetic location: 19q13.33.
Variant type: single nucleotide variant.
Coding change: c.3217C>A on transcript NM_017636.4 (MANE Select); coding-DNA position 3217, C replaced by A.
Protein change: p.Pro1073Thr; replaces proline 1073 with threonine.
Molecular consequence: missense variant.
Genome position (GRCh38, 1-based): chr19:49,210,294, C>A. VCF-style: chr19-49210294-C-A. GRCh37 (hg19) VCF-style: chr19-49713551-C-A.
Other names: c.2782C>A, p.Pro928Thr (NM_001195227.2); c.2872C>A, p.Pro958Thr (NM_001321281.2); c.1609C>A, p.Pro537Thr (NM_001321282.2); c.2695C>A, p.Pro899Thr (NM_001321283.2); c.2155C>A, p.Pro719Thr (NM_001321285.2); short protein forms P537T, P899T, P958T, P1073T, P928T, P719T.
Identifiers: ClinVar variation 1729002 (VCV001729002.2), dbSNP rs1019994678, ClinGen allele CA309420149.